The following is an entry in ClinVar:

ClinVar aggregate classification (germline): Uncertain significance (1 of 4 stars; one submission).

Conditions:
Hereditary cancer-predisposing syndrome. Also called: Neoplastic Syndromes, Hereditary; Tumor predisposition; Hereditary Cancer Syndrome; Hereditary neoplastic syndrome. Identifiers: Orphanet 140162, MedGen C0027672, MeSH D009386, MONDO:0015356.

Submission:

Ambry Genetics
Classification: Uncertain significance for Hereditary cancer-predisposing syndrome. Last evaluated: 2026-04-04. Review status: criteria provided, single submitter. Criteria: Ambry Variant Classification Scheme 2023. Collection method: clinical testing. Allele origin: germline.
Comment: The p.E498A variant (also known as c.1493A>C), located in coding exon 10 of the RAD50 gene, results from an A to C substitution at nucleotide position 1493. The glutamic acid at codon 498 is replaced by alanine, an amino acid with dissimilar properties. This amino acid position is conserved. In addition, this alteration is predicted to be tolerated by in silico analysis. Based on the available evidence, the clinical significance of this variant remains unclear.

NM_005732.4(RAD50):c.1493A>C (p.Glu498Ala)

Gene: RAD50 (RAD50 double strand break repair protein; plus strand). Cytogenetic location: 5q31.1.
Variant type: single nucleotide variant.
Coding change: c.1493A>C on transcript NM_005732.4 (MANE Select); coding-DNA position 1493, A replaced by C.
Protein change: p.Glu498Ala; replaces glutamic acid 498 with alanine.
Molecular consequence: missense variant.
Genome position (GRCh38, 1-based): chr5:132,591,264, A>C. VCF-style: chr5-132591264-A-C. GRCh37 (hg19) VCF-style: chr5-131926956-A-C.
Other names: short protein forms E498A.
Identifiers: ClinVar variation 4862833 (VCV004862833.1).